The following is an entry in ClinVar:

ClinVar aggregate classification (germline): Likely benign. Review status: criteria provided, multiple submitters, no conflicts (2 of 4 stars). 6 submissions from 6 submitters: Likely benign (5). 1 of the submissions does not count toward it. Last evaluated 2026-02-03.

Conditions:
POLD1-related disorder. Also called: POLD1-related disorders; POLD1-related condition.
Hereditary cancer-predisposing syndrome. Also called: Neoplastic Syndromes, Hereditary; Hereditary neoplastic syndrome; Hereditary Cancer Syndrome; Tumor predisposition. Identifiers: Orphanet 140162, MedGen C0027672, MeSH D009386, MONDO:0015356.
POLD1-related polyposis and colorectal cancer syndrome (CRCS10). Also called: Colorectal cancer, susceptibility to, 10; Colorectal cancer 10; COLORECTAL CANCER, SUSCEPTIBILITY TO, ON CHROMOSOME 19q. Identifiers: Orphanet 220460, MedGen C2675481, MONDO:0012953, OMIM 612591.

gnomAD v4.1: 35 of 1,607,824 alleles (0.0022%); highest among the groups gnomAD compares: African/African-American, 0.02%; no homozygotes.

Submissions (6):

Labcorp Genetics (formerly Invitae), Labcorp
Classification: Likely benign for POLD1-related polyposis and colorectal cancer syndrome. Last evaluated: 2026-02-03. Review status: criteria provided, single submitter. Criteria: Invitae Variant Classification Sherloc (09022015). Collection method: clinical testing. Allele origin: germline.

Women's Health and Genetics/Laboratory Corporation of America, LabCorp
Classification: Likely benign. Last evaluated: 2025-03-26. Review status: criteria provided, single submitter. Criteria: LabCorp Variant Classification Summary - May 2015. Collection method: clinical testing. Allele origin: germline.

Sema4
Classification: Likely benign for Hereditary cancer-predisposing syndrome. Last evaluated: 2021-01-07. Review status: criteria provided, single submitter. Criteria: Sema4 Curation Guidelines. Collection method: curation. Allele origin: germline.

GeneDx
Classification: Likely benign. Last evaluated: 2020-10-08. Review status: criteria provided, single submitter. Criteria: GeneDx Variant Classification Process June 2021. Collection method: clinical testing. Allele origin: germline. Affected: yes.

Ambry Genetics
Classification: Likely benign for Hereditary cancer-predisposing syndrome. Last evaluated: 2016-11-21. Review status: criteria provided, single submitter. Criteria: Ambry Variant Classification Scheme 2023. Collection method: clinical testing. Allele origin: germline.

PreventionGenetics, part of Exact Sciences
Classification: Likely benign for POLD1-related condition. Last evaluated: 2019-07-31. Review status: no assertion criteria provided. Collection method: clinical testing. Allele origin: germline. Not counted in ClinVar's aggregate classification.
Comment: This variant is classified as likely benign based on ACMG/AMP sequence variant interpretation guidelines (Richards et al. 2015 PMID: 25741868, with internal and published modifications).

NM_002691.4(POLD1):c.2454C>G (p.Pro818=)

Gene: POLD1 (DNA polymerase delta 1, catalytic subunit; plus strand). Cytogenetic location: 19q13.33.
Variant type: single nucleotide variant.
Coding change: c.2454C>G on transcript NM_002691.4 (MANE Select); coding-DNA position 2454, C replaced by G.
Protein change: p.Pro818=; no amino-acid change (proline 818 retained).
Molecular consequence: synonymous variant. On other transcripts: non-coding transcript variant (1).
Genome position (GRCh38, 1-based): chr19:50,414,880, C>G. VCF-style: chr19-50414880-C-G. GRCh37 (hg19) VCF-style: chr19-50918137-C-G.
Other names: c.2454C>G, p.Pro818= (NM_001256849.1); c.2532C>G, p.Pro844= (NM_001308632.1).
Identifiers: ClinVar variation 380641 (VCV000380641.22), dbSNP rs369444765, ClinGen allele CA9596529.